The following is an entry in ClinVar:

NM_000138.5(FBN1):c.2489G>T (p.Cys830Phe)

Gene: FBN1 (fibrillin 1; minus strand). Cytogenetic location: 15q21.1.
Variant type: single nucleotide variant.
Coding change: c.2489G>T on transcript NM_000138.5 (MANE Select); coding-DNA position 2489, G replaced by T.
Protein change: p.Cys830Phe; replaces cysteine 830 with phenylalanine.
Molecular consequence: missense variant.
Genome position (GRCh38, 1-based): chr15:48,495,519, C>A on the plus strand (G>T on the coding strand, the complement: FBN1 is on the minus strand). VCF-style: chr15-48495519-C-A. GRCh37 (hg19) VCF-style: chr15-48787716-C-A.
Other names: c.2489G>T, p.Cys830Phe (NM_001406716.1); short protein forms C830F.
Identifiers: ClinVar variation 1792034 (VCV001792034.7), dbSNP rs397515774, ClinGen allele CA392334442.
Genomic context (GRCh38, chr15:48,495,519, plus strand): 5'-AGATAAATACCTATGCAGATGGTTTTTGTTGGATCCAAAGTACTTTCAGAAGAACATTCA[C>A]AAATAAAAGAGCCTGGGCTGTTCTTGCAGACTCCATTAATGCAAGGACTTGATTCGCATT-3'
Protein context (NP_000129.3, residues 820-840): VCKNSPGSFI[Cys830Phe]ECSSESTLDP

ClinVar aggregate classification (germline): Pathogenic/Likely pathogenic. Review status: criteria provided, multiple submitters, no conflicts (2 of 4 stars). 2 submissions from 2 submitters: Pathogenic (1); Likely pathogenic (1). Last evaluated 2022-02-14.

Conditions:
Marfan syndrome (MFS). Also called: Marfan's syndrome; Marfan syndrome, classic; MARFAN SYNDROME, TYPE I; Marfan syndrome type 1; FBN1-Related Marfan Syndrome. Identifiers: Orphanet 284963, Orphanet 558, MedGen C0024796, MONDO:0007947, OMIM 154700.
Familial thoracic aortic aneurysm and aortic dissection (TAAD). Also called: Thoracic aortic aneurysms and dissections. Identifiers: Orphanet 91387, MedGen C4707243, MONDO:0019625.

Submissions (2):

Ambry Genetics
Classification: Likely pathogenic for Familial thoracic aortic aneurysm and aortic dissection. Last evaluated: 2022-02-14. Review status: criteria provided, single submitter. Criteria: Ambry Variant Classification Scheme 2023. Collection method: clinical testing. Allele origin: germline.
Comment: The p.C830F variant (also known as c.2489G>T), located in coding exon 20 of the FBN1 gene, results from a G to T substitution at nucleotide position 2489. The cysteine at codon 830 is replaced by phenylalanine, an amino acid with highly dissimilar properties. The majority of FBN1 mutations identified to date have involved the substitution or generation of cysteine residues within cbEGF domains (Vollbrandt T et al. J Biol Chem. 2004;279(31):32924-32931). This alteration has been observed in at least one individual with a personal history that is consistent with Marfan syndrome (Ambry internal data). Another alteration at the same codon, p.C830S (c.2489G>C), has been reported in an individual with a clinical diagnosis of Marfan syndrome (Baudhuin LM et al. J Hum Genet, 2015 May;60:241-52). Based on internal structural assessment, this alteration eliminates a structurally critical disulfide bond in the structurally sensitive cbEGF domain #09. This variant is considered to be rare based on population cohorts in the Genome Aggregation Database (gnomAD). This amino acid position is highly conserved in available vertebrate species. In addition, this alteration is predicted to be deleterious by in silico analysis. Based on the majority of available evidence to date, this variant is likely to be pathogenic.

Labcorp Genetics (formerly Invitae), Labcorp
Classification: Pathogenic for Marfan syndrome; Familial thoracic aortic aneurysm and aortic dissection. Last evaluated: 2022-01-11. Review status: criteria provided, single submitter. Criteria: Invitae Variant Classification Sherloc (09022015). Collection method: clinical testing. Allele origin: germline.
Comment: For these reasons, this variant has been classified as Pathogenic. This variant disrupts the p.Cys830 amino acid residue in FBN1. Other variant(s) that disrupt this residue have been observed in individuals with FBN1-related conditions (PMID: 16476890, 19293843), which suggests that this may be a clinically significant amino acid residue. This variant affects a cysteine residue in the EGF-like, TGFBP or hybrid motif domains of FBN1. Cysteine residues are believed to be involved in intramolecular disulfide bridges and have been shown to be important for FBN1 protein structure (PMID: 16905551, 19349279). In addition, missense substitutions affecting cysteine residues within these domains are significantly overrepresented among patients with Marfan syndrome (PMID: 16571647, 17701892). Advanced modeling of protein sequence and biophysical properties (such as structural, functional, and spatial information, amino acid conservation, physicochemical variation, residue mobility, and thermodynamic stability) performed at Invitae indicates that this missense variant is expected to disrupt FBN1 protein function. This missense change has been observed in individual(s) with clinical features of FBN1-related conditions (Invitae). This variant is not present in population databases (gnomAD no frequency). This sequence change replaces cysteine, which is neutral and slightly polar, with phenylalanine, which is neutral and non-polar, at codon 830 of the FBN1 protein (p.Cys830Phe).

Literature cited by the submitters: PubMed 16476890 (cited by Labcorp Genetics (formerly Invitae), Labcorp); PubMed 19293843 (cited by Labcorp Genetics (formerly Invitae), Labcorp); PubMed 16905551 (cited by Labcorp Genetics (formerly Invitae), Labcorp); PubMed 19349279 (cited by Labcorp Genetics (formerly Invitae), Labcorp); PubMed 16571647 (cited by Labcorp Genetics (formerly Invitae), Labcorp); PubMed 17701892 (cited by Labcorp Genetics (formerly Invitae), Labcorp).